The following is an entry in ClinVar:

ClinVar aggregate classification (germline): Uncertain significance. Review status: criteria provided, multiple submitters, no conflicts (2 of 4 stars). 2 submissions from 2 submitters: Uncertain significance (2). Last evaluated 2025-04-24.

Conditions:
Hereditary cancer-predisposing syndrome. Also called: Neoplastic Syndromes, Hereditary; Tumor predisposition; Hereditary neoplastic syndrome; Hereditary Cancer Syndrome. Identifiers: Orphanet 140162, MedGen C0027672, MeSH D009386, MONDO:0015356.
Parathyroid carcinoma (PRTC). Also called: Parathyroid gland carcinoma; CDC73-Related Parathyroid Carcinoma. Identifiers: Orphanet 143, MedGen C0687150, MONDO:0012004, OMIM 608266, HP:0006780.

Allele frequency attached by ClinVar (database versions not stated): gnomAD exomes below 0.00001 and 0.00001; ExAC 0.00001.
gnomAD v4.1: 8 of 1,614,178 alleles (0.0005%); highest among the groups gnomAD compares: East Asian, 0.0022%; no homozygotes.

Submissions (2):

Labcorp Genetics (formerly Invitae), Labcorp
Classification: Uncertain significance for Parathyroid carcinoma. Last evaluated: 2025-04-24. Review status: criteria provided, single submitter. Criteria: Invitae Variant Classification Sherloc (09022015). Collection method: clinical testing. Allele origin: germline.
Comment: This sequence change replaces glutamine, which is neutral and polar, with arginine, which is basic and polar, at codon 14 of the CDC73 protein (p.Gln14Arg). This variant is present in population databases (rs767638609, gnomAD 0.006%). This variant has not been reported in the literature in individuals affected with CDC73-related conditions. ClinVar contains an entry for this variant (Variation ID: 838171). Invitae Evidence Modeling of protein sequence and biophysical properties (such as structural, functional, and spatial information, amino acid conservation, physicochemical variation, residue mobility, and thermodynamic stability) indicates that this missense variant is not expected to disrupt CDC73 protein function with a negative predictive value of 80%. In summary, the available evidence is currently insufficient to determine the role of this variant in disease. Therefore, it has been classified as a Variant of Uncertain Significance.

Ambry Genetics
Classification: Uncertain significance for Hereditary cancer-predisposing syndrome. Last evaluated: 2024-09-30. Review status: criteria provided, single submitter. Criteria: Ambry Variant Classification Scheme 2023. Collection method: clinical testing. Allele origin: germline.
Comment: The p.Q14R variant (also known as c.41A>G), located in coding exon 1 of the CDC73 gene, results from an A to G substitution at nucleotide position 41. The glutamine at codon 14 is replaced by arginine, an amino acid with highly similar properties. This amino acid position is conserved. In addition, this alteration is predicted to be tolerated by in silico analysis. Since supporting evidence is limited at this time, the clinical significance of this alteration remains unclear.

NM_024529.5(CDC73):c.41A>G (p.Gln14Arg)

Gene: CDC73 (cell division cycle 73; plus strand). Cytogenetic location: 1q31.2.
Variant type: single nucleotide variant.
Coding change: c.41A>G on transcript NM_024529.5 (MANE Select); coding-DNA position 41, A replaced by G.
Protein change: p.Gln14Arg; replaces glutamine 14 with arginine.
Molecular consequence: missense variant.
Genome position (GRCh38, 1-based): chr1:193,122,241, A>G. VCF-style: chr1-193122241-A-G. GRCh37 (hg19) VCF-style: chr1-193091371-A-G.
Other names: short protein forms Q14R.
Identifiers: ClinVar variation 838171 (VCV000838171.11), dbSNP rs767638609, ClinGen allele CA1303248.
Genomic context (GRCh38, chr1:193,122,241, plus strand): 5'-CGGAGGCGAGGGGGGGGAAGATGGCGGACGTGCTTAGCGTCCTGCGACAGTACAACATCC[A>G]GAAGAAGGAGATTGTGGTGAAGGGAGACGAAGTGATCTTCGGGGAGTTCTCCTGGCCCAA-3'
Protein context (NP_078805.3, residues 4-24): VLSVLRQYNI[Gln14Arg]KKEIVVKGDE